The following is an entry in ClinVar:

GRCh37/hg19 16p13.11(chr16:14975292-16289532)

Genes: MPV17L (MPV17 mitochondrial inner membrane protein like; plus strand), NPIPA5 (nuclear pore complex interacting protein family member A5; minus strand), MARF1 (meiosis regulator and mRNA stability factor 1; minus strand), CEP20 (centrosomal protein 20; minus strand), BMERB1 (bMERB domain containing 1; plus strand) and 9 more. Cytogenetic location: 16p13.11.
Variant type: copy number gain.
Identifiers: ClinVar variation 625568 (VCV000625568.1).

ClinVar aggregate classification (germline): Pathogenic (1 of 4 stars; one submission).

Submission:

Baylor Genetics
Classification: Pathogenic. Last evaluated: 2018-11-01. Review status: criteria provided, single submitter. Criteria: ACMG CNV Guidelines, 2011. Collection method: clinical testing. Allele origin: germline. Affected: yes. Observed: 1 variant allele.
Comment: This 16p13.11 microduplication is associated with varied clinical features including behavioral abnormalities, cognitive impairment, congenital heart defects and skeletal manifestations [PMID:21150890]